The following is an entry in ClinVar:

NM_020911.2(PLXNA4):c.1893T>C (p.His631=)

Gene: PLXNA4 (plexin A4; minus strand). Cytogenetic location: 7q32.3.
Variant type: single nucleotide variant.
Coding change: c.1893T>C on transcript NM_020911.2 (MANE Select); coding-DNA position 1893, T replaced by C.
Protein change: p.His631=; no amino-acid change (histidine 631 retained).
Molecular consequence: synonymous variant.
Genome position (GRCh38, 1-based): chr7:132,226,250, A>G on the plus strand (T>C on the coding strand, the complement: PLXNA4 is on the minus strand). VCF-style: chr7-132226250-A-G. GRCh37 (hg19) VCF-style: chr7-131911009-A-G.
Other names: c.1893T>C, p.His631= (NM_001393897.1).
Identifiers: ClinVar variation 4986012 (VCV004986012.1).

ClinVar aggregate classification (germline): Likely benign (1 of 4 stars; one submission).

Conditions:
PLXNA4-related disorder. Also called: PLXNA4-related condition.

gnomAD v4.1: 7 of 1,613,304 alleles (0.00043%); highest among the groups gnomAD compares: African/African-American, 0.0053%; no homozygotes.

Submission:

PreventionGenetics, part of Exact Sciences
Classification: Likely benign for PLXNA4-related condition. Last evaluated: 2024-10-17. Review status: criteria provided, single submitter. Criteria: ACMG Guidelines, 2015. Collection method: clinical testing. Allele origin: germline.
Comment: This variant is classified as likely benign based on ACMG/AMP sequence variant interpretation guidelines (Richards et al. 2015 PMID: 25741868, with internal and published modifications).